The following is an entry in ClinVar:

ClinVar aggregate classification (germline): Conflicting classifications of pathogenicity. Review status: criteria provided, conflicting classifications (1 of 4 stars). 2 submissions from 2 submitters: Uncertain significance (1); Likely benign (1). Last evaluated 2024-09-20.

Conditions:
Developmental and epileptic encephalopathy, 51 (DEE51). Also called: Epileptic encephalopathy, early infantile, 51. Identifiers: MedGen C4479208, MONDO:0015025, OMIM 617339.

Allele frequency attached by ClinVar (database versions not stated): gnomAD 0.00004 and 0.00008; ExAC 0.00017; 1000 Genomes Project 0.00020; 1000 Genomes Project 30x 0.00031.
gnomAD v4.1: 116 of 1,614,212 alleles (0.0072%); highest among the groups gnomAD compares: South Asian, 0.11%; no homozygotes.

Submissions (2):

3billion
Classification: Likely benign for Developmental and epileptic encephalopathy, 51. Last evaluated: 2024-09-20. Review status: criteria provided, single submitter. Criteria: ACMG Guidelines, 2015. Collection method: clinical testing. Allele origin: germline. Affected: no.
Comment: The homozygous variant was found in patients diagnosed with another variant in a different gene, with no symptoms related to the gene containing the homozygous variant.

Labcorp Genetics (formerly Invitae), Labcorp
Classification: Uncertain significance. Last evaluated: 2022-09-27. Review status: criteria provided, single submitter. Criteria: Invitae Variant Classification Sherloc (09022015). Collection method: clinical testing. Allele origin: germline.
Comment: This sequence change replaces valine, which is neutral and non-polar, with isoleucine, which is neutral and non-polar, at codon 194 of the MDH2 protein (p.Val194Ile). This variant is present in population databases (rs574256155, gnomAD 0.1%). This variant has not been reported in the literature in individuals affected with MDH2-related conditions. ClinVar contains an entry for this variant (Variation ID: 1385252). Advanced modeling of protein sequence and biophysical properties (such as structural, functional, and spatial information, amino acid conservation, physicochemical variation, residue mobility, and thermodynamic stability) performed at Invitae indicates that this missense variant is not expected to disrupt MDH2 protein function. In summary, the available evidence is currently insufficient to determine the role of this variant in disease. Therefore, it has been classified as a Variant of Uncertain Significance.

NM_005918.4(MDH2):c.580G>A (p.Val194Ile)

Gene: MDH2 (malate dehydrogenase 2; plus strand). Cytogenetic location: 7q11.23.
Variant type: single nucleotide variant.
Coding change: c.580G>A on transcript NM_005918.4 (MANE Select); coding-DNA position 580, G replaced by A.
Protein change: p.Val194Ile; replaces valine 194 with isoleucine.
Molecular consequence: missense variant.
Genome position (GRCh38, 1-based): chr7:76,063,539, G>A. VCF-style: chr7-76063539-G-A. GRCh37 (hg19) VCF-style: chr7-75692857-G-A.
Other names: c.454G>A, p.Val152Ile (NM_001282403.2); c.259G>A, p.Val87Ile (NM_001282404.2); short protein forms V194I, V87I, V152I.
Identifiers: ClinVar variation 1385252 (VCV001385252.6), dbSNP rs574256155, ClinGen allele CA4305608.
Genomic context (GRCh38, chr7:76,063,539, plus strand): 5'-TTGTTAACTCATCCAGCTTCATACTTTGGTCACCAGGGTTTGGATCCAGCTCGAGTCAAC[G>A]TCCCTGTCATTGGTGGCCATGCTGGGAAGACCATCATCCCCCTGATCTCTCAGGTACACG-3'
Protein context (NP_005909.2, residues 184-204): LKGLDPARVN[Val194Ile]PVIGGHAGKT